The following is an entry in ClinVar:

NM_001453.3(FOXC1):c.899C>G (p.Pro300Arg)

Gene: FOXC1 (forkhead box C1; plus strand). Cytogenetic location: 6p25.3.
Variant type: single nucleotide variant.
Coding change: c.899C>G on transcript NM_001453.3 (MANE Select); coding-DNA position 899, C replaced by G.
Protein change: p.Pro300Arg; replaces proline 300 with arginine.
Molecular consequence: missense variant.
Genome position (GRCh38, 1-based): chr6:1,611,344, C>G. VCF-style: chr6-1611344-C-G. GRCh37 (hg19) VCF-style: chr6-1611579-C-G.
Other names: short protein forms P300R.
Identifiers: ClinVar variation 3668628 (VCV003668628.2).
Genomic context (GRCh38, chr6:1,611,344, plus strand): 5'-CGCGGCCGCTCAGCCTGGACGGTGCGGATTCCGCGCCGCCGCCGCCCGCGCCCTCCGCCC[C>G]GCCGCCGCACCATAGCCAGGGCTTCAGCGTGGACAACATCATGACGTCGCTGCGGGGGTC-3'
Protein context (NP_001444.2, residues 290-310): SAPPPPAPSA[Pro300Arg]PPHHSQGFSV

ClinVar aggregate classification (germline): Uncertain significance (1 of 4 stars; one submission).

Conditions:
Axenfeld-Rieger syndrome type 3 (RIEG3). Also called: AXENFELD-RIEGER ANOMALY WITH CARDIAC DEFECTS AND/OR SENSORINEURAL HEARING LOSS. Identifiers: Orphanet 782, MedGen C2678503, MONDO:0011233, OMIM 602482.

gnomAD v4.1: 19 of 1,422,908 alleles (0.0013%); highest among the groups gnomAD compares: Non-Finnish European, 0.0015%; no homozygotes.

Submission:

Labcorp Genetics (formerly Invitae), Labcorp
Classification: Uncertain significance for Axenfeld-Rieger syndrome type 3. Last evaluated: 2024-08-08. Review status: criteria provided, single submitter. Criteria: Invitae Variant Classification Sherloc (09022015). Collection method: clinical testing. Allele origin: germline.
Comment: This sequence change replaces proline, which is neutral and non-polar, with arginine, which is basic and polar, at codon 300 of the FOXC1 protein (p.Pro300Arg). This variant is not present in population databases (gnomAD no frequency). This variant has not been reported in the literature in individuals affected with FOXC1-related conditions. Experimental studies and prediction algorithms are not available or were not evaluated, and the functional significance of this variant is currently unknown. In summary, the available evidence is currently insufficient to determine the role of this variant in disease. Therefore, it has been classified as a Variant of Uncertain Significance.